The following is an entry in ClinVar:

ClinVar aggregate classification (germline): Uncertain significance (1 of 4 stars; one submission).

Conditions:
Nemaline myopathy 6 (NEM6). Also called: Nemaline myopathy 6, autosomal dominant. Identifiers: Orphanet 171439, MedGen C1836472, MONDO:0012237, OMIM 609273.

Submission:

Labcorp Genetics (formerly Invitae), Labcorp
Classification: Uncertain significance for Nemaline myopathy 6. Last evaluated: 2024-09-14. Review status: criteria provided, single submitter. Criteria: Invitae Variant Classification Sherloc (09022015). Collection method: clinical testing. Allele origin: germline.
Comment: This sequence change creates a premature translational stop signal (p.Arg33*) in the KBTBD13 gene. While this is not anticipated to result in nonsense mediated decay, it is expected to disrupt the last 426 amino acid(s) of the KBTBD13 protein. This variant is not present in population databases (gnomAD no frequency). This variant has not been reported in the literature in individuals affected with KBTBD13-related conditions. In summary, the available evidence is currently insufficient to determine the role of this variant in disease. Therefore, it has been classified as a Variant of Uncertain Significance.

NM_001101362.3(KBTBD13):c.97C>T (p.Arg33Ter)

Gene: KBTBD13 (kelch repeat and BTB domain containing 13; plus strand). Cytogenetic location: 15q22.31.
Variant type: single nucleotide variant.
Coding change: c.97C>T on transcript NM_001101362.3 (MANE Select); coding-DNA position 97, C replaced by T.
Protein change: p.Arg33Ter; replaces arginine 33 with a stop codon.
Molecular consequence: nonsense.
Genome position (GRCh38, 1-based): chr15:65,076,912, C>T. VCF-style: chr15-65076912-C-T. GRCh37 (hg19) VCF-style: chr15-65369250-C-T.
Other names: short protein forms R33*.
Identifiers: ClinVar variation 3697011 (VCV003697011.2).